The following is an entry in ClinVar:

ClinVar aggregate classification (germline): Benign (1 of 4 stars; one submission).

Submission:

GeneDx
Classification: Benign. Last evaluated: 2018-06-20. Review status: criteria provided, single submitter. Criteria: GeneDx Variant Classification (06012015). Collection method: clinical testing. Allele origin: germline. Affected: yes.
Comment: This variant is considered likely benign or benign based on one or more of the following criteria: it is a conservative change, it occurs at a poorly conserved position in the protein, it is predicted to be benign by multiple in silico algorithms, and/or has population frequency not consistent with disease.

NM_006231.4(POLE):c.3276-186_3276-185insACAC

Gene: POLE (DNA polymerase epsilon, catalytic subunit; minus strand). Cytogenetic location: 12q24.33.
Variant type: Microsatellite.
Coding change: c.3276-186_3276-185insACAC on transcript NM_006231.4 (MANE Select); 186 bases into the intron before coding-DNA position 3276 through 185 bases into the intron before coding-DNA position 3276, ACAC inserted.
Molecular consequence: intron variant.
Genome position: GRCh38 VCF-style: chr12-132658155-C-CGTGT. GRCh37 (hg19) VCF-style: chr12-133234741-C-CGTGT.
Identifiers: ClinVar variation 679671 (VCV000679671.1), dbSNP rs10649524, ClinGen allele CA246315359.
Genomic context (GRCh38, chr12:132,658,155, plus strand): 5'-ACATCTGCGTGCATATGTATGCACAAACATGCCTACAGGTTCCTCGGGGAGTAACACGTG[C>CGTGT]GTATGTGTAAACACGTGCGTGTGTGCACGTAAACATGTCTACATGTTCCTCACAGCGTAA-3'